The following is an entry in ClinVar:

ClinVar aggregate classification (germline): Pathogenic. Review status: criteria provided, single submitter (1 of 4 stars). 2 submissions from 1 submitter: Pathogenic (1). Last evaluated 2022-02-02.

Conditions:
Chromosome 1p36 deletion syndrome (1p36). Also called: 1p36.33 deletion; Monosomy 1p36 syndrome; 1p36 microdeletion syndrome. Identifiers: Orphanet 1606, MedGen C1842870, MeSH C535362, MONDO:0011929, OMIM 607872.

Submission:

Centro Nacional de Genética Medica, Administración Nacional de Laboratorios e Institutos de Salud (ANLIS) “Dr. Carlos G Malbrán”
Classification: Pathogenic for Chromosome 1p36 deletion syndrome. Last evaluated: 2022-02-02. Review status: criteria provided, single submitter. Criteria: ACMG/ClinGen CNV Guidelines, 2019. Collection method: clinical testing. Allele origin: germline. Affected: yes.

GRCh37/hg19 1p36.33-36.23(chr1:834101-7930605)x1

Genes: TMEM240 (transmembrane protein 240; minus strand), TMEM278 (transmembrane protein 278; plus strand), TMEM52 (transmembrane protein 52; minus strand), WRAP73 (WD repeat containing, antisense to TP73; minus strand), TNFRSF14 (TNF receptor superfamily member 14; plus strand) and 98 more. Cytogenetic location: 1p36.33-36.23.
Variant type: copy number loss.
Change: copy number 1 (one copy instead of two) of chr1:834,101-7,930,605 (7.10 Mb, GRCh37 coordinates, 1-based), cytogenetic band 1p36.33-36.23.
Identifiers: ClinVar variation 1341993 (VCV001341993.2).